The following is an entry in ClinVar:

ClinVar aggregate classification (germline): Uncertain significance (1 of 4 stars; one submission).

Conditions:
Amyotrophic lateral sclerosis type 15. Also called: AMYOTROPHIC LATERAL SCLEROSIS 15 WITH FRONTOTEMPORAL DEMENTIA. Identifiers: Orphanet 803, MedGen C3275459, MONDO:0010459, OMIM 300857.

Submission:

Victorian Clinical Genetics Services, Murdoch Childrens Research Institute
Classification: Uncertain significance for Amyotrophic lateral sclerosis type 15. Last evaluated: 2022-02-02. Review status: criteria provided, single submitter. Criteria: ACMG Guidelines, 2015. Collection method: clinical testing. Allele origin: germline. Inheritance: X-linked dominant inheritance.
Comment: Based on the classification scheme VCGS_Germline_v1.3.4, this variant is classified as VUS-3C. Following criteria are met: 0105 - The mechanism of disease for this gene is not clearly established. However, gain of function has been suggested as a mechanism of disease as UBQLN2 knockout mice do not recapitulate disease (PMID: 34273246). Additionally, no null pathogenic variants have been reported for this gene (ClinVar). (I) 0110 - This gene is associated with X-linked dominant disease. (I) 0112 - The condition associated with this gene has incomplete penetrance and has been reported in females (OMIM). (I) 0200 - Variant is predicted to result in a missense amino acid change from threonine to serine. (I) 0251 - This variant is heterozygous. (I) 0301 - Variant is absent from gnomAD (both v2 and v3). (SP) 0309 - An alternative amino acid change at the same position has been observed in gnomAD (v2) (p.(Thr335Ile): 1 heterozygote, 0 homozygotes). (I) 0503 - Missense variant consistently predicted to be tolerated by multiple in silico tools and not conserved in placental mammals with a minor amino acid change. (SB) 0604 - Variant is not located in an established domain, motif, hotspot or informative constraint region. (I) 0705 - No comparable missense variants have previous evidence for pathogenicity. (I) 0807 - This variant has no previous evidence of pathogenicity. (I) 0905 - No published segregation evidence has been identified for this variant. (I) 1007 - No published functional evidence has been identified for this variant. (I) 1208 - Inheritance information for this variant is not currently available in this individual. (I) Legend: (SP) - Supporting pathogenic, (I) - Information, (SB) - Supporting benign

Literature cited by the submitters: PubMed 34273246.

NM_013444.4(UBQLN2):c.1003A>T (p.Thr335Ser)

Gene: UBQLN2 (ubiquilin 2; plus strand). Cytogenetic location: Xp11.21.
Variant type: single nucleotide variant.
Coding change: c.1003A>T on transcript NM_013444.4 (MANE Select); coding-DNA position 1003, A replaced by T.
Protein change: p.Thr335Ser; replaces threonine 335 with serine.
Molecular consequence: missense variant.
Genome position (GRCh38, 1-based): chrX:56,564,876, A>T. VCF-style: chrX-56564876-A-T. GRCh37 (hg19) VCF-style: chrX-56591309-A-T.
Other names: short protein forms T335S.
Identifiers: ClinVar variation 1805277 (VCV001805277.1), dbSNP rs2519962613, ClinGen allele CA413379616.